The following is an entry in ClinVar:

NM_000271.5(NPC1):c.3281del (p.Ile1094fs)

Gene: NPC1 (NPC intracellular cholesterol transporter 1; minus strand). Cytogenetic location: 18q11.2.
Variant type: Deletion.
Coding change: c.3281del on transcript NM_000271.5 (MANE Select); coding-DNA position 3281, one base deleted (T; older notation c.3281delT).
Protein change: p.Ile1094fs; shifts the reading frame from isoleucine 1094.
Molecular consequence: frameshift variant.
Genome position (GRCh38, 1-based): chr18:23,535,665, A deleted on the plus strand (T on the coding strand, the reverse complement: NPC1 is on the minus strand). VCF-style (leftmost placement, unchanged base first): chr18-23535664-GA-G. GRCh37 (hg19) VCF-style: chr18-21115628-GA-G.
Other names: short protein forms I1094fs.
Identifiers: ClinVar variation 1705788 (VCV001705788.6), dbSNP rs2511191286, ClinGen allele CA2580095550.

ClinVar aggregate classification (germline): Pathogenic. Review status: criteria provided, multiple submitters, no conflicts (2 of 4 stars). 3 submissions from 3 submitters: Pathogenic (2). 1 of the submissions does not count toward it. Last evaluated 2022-08-30.

Conditions:
Niemann-Pick disease, type C1. Also called: NEUROVISCERAL STORAGE DISEASE WITH VERTICAL SUPRANUCLEAR OPHTHALMOPLEGIA; NIEMANN-PICK DISEASE WITH CHOLESTEROL ESTERIFICATION BLOCK; NIEMANN-PICK DISEASE WITHOUT SPHINGOMYELINASE DEFICIENCY; NIEMANN-PICK DISEASE, CHRONIC NEURONOPATHIC FORM; NIEMANN-PICK DISEASE, VARIANT TYPE C1. Identifiers: Orphanet 646, MedGen C3179455, MONDO:0009757, OMIM 257220.

Submissions (3):

CENTOGENE GmbH and LLC - Guiding Precision Medicine
Classification: Pathogenic for Niemann-Pick disease, type C1. Last evaluated: 2022-08-30. Review status: criteria provided, single submitter. Criteria: ACMG Guidelines, 2015. Collection method: clinical testing. Allele origin: germline. Affected: yes.

Labcorp Genetics (formerly Invitae), Labcorp
Classification: Pathogenic for Niemann-Pick disease, type C1. Last evaluated: 2022-04-05. Review status: criteria provided, single submitter. Criteria: Invitae Variant Classification Sherloc (09022015). Collection method: clinical testing. Allele origin: germline.
Comment: For these reasons, this variant has been classified as Pathogenic. This variant has not been reported in the literature in individuals affected with NPC1-related conditions. This variant is not present in population databases (gnomAD no frequency). This sequence change creates a premature translational stop signal (p.Ile1094Thrfs*19) in the NPC1 gene. It is expected to result in an absent or disrupted protein product. Loss-of-function variants in NPC1 are known to be pathogenic (PMID: 9211850).

Clinical Genetics Laboratory, University Hospital Schleswig-Holstein
Classification: Pathogenic for Niemann-Pick disease, type C1. Last evaluated: 2023-08-29. Review status: no assertion criteria provided. Collection method: clinical testing. Allele origin: germline. Affected: yes. Not counted in ClinVar's aggregate classification.

Literature cited by the submitters: PubMed 9211850 (cited by Labcorp Genetics (formerly Invitae), Labcorp).